The following is an entry in ClinVar:

NM_000350.3(ABCA4):c.1095_1096insCAATATCTATAAGGCCTTTCTGGGGATTGACTCCACAAGGAAGGATCCTATCTATTCTTATGACAGAAGA (p.Thr366delinsGlnTyrLeuTer)

Gene: ABCA4 (ATP binding cassette subfamily A member 4; minus strand). Cytogenetic location: 1p22.1.
Variant type: Microsatellite.
Coding change: c.1095_1096insCAATATCTATAAGGCCTTTCTGGGGATTGACTCCACAAGGAAGGATCCTATCTATTCTTATGACAGAAGA on transcript NM_000350.3 (MANE Select); coding-DNA positions 1095 to 1096, CAATATCTATAAGGCCTTTCTGGGGATTGACTCCACAAGGAAGGATCCTATCTATTCTTATGACAGAAGA inserted.
Protein change: p.Thr366delinsGlnTyrLeuTer.
Molecular consequence: nonsense. On other transcripts: frameshift variant (1).
Genome position: GRCh38: chr1:94,080,482-94,080,545. GRCh37 (hg19): chr1:94,546,038-94,546,101.
Other names: c.1032_1095AGA[2][1], p.Asn344Lysfs (NM_001425324.1).
Identifiers: ClinVar variation 1357247 (VCV001357247.6).

ClinVar aggregate classification (germline): Pathogenic (1 of 4 stars; one submission).

Submission:

Labcorp Genetics (formerly Invitae), Labcorp
Classification: Pathogenic. Last evaluated: 2020-11-10. Review status: criteria provided, single submitter. Criteria: Invitae Variant Classification Sherloc (09022015). Collection method: clinical testing. Allele origin: germline.
Comment: This sequence change creates a premature translational stop signal (p.Thr366Glnfs*4) in the ABCA4 gene. It is expected to result in an absent or disrupted protein product. Loss-of-function variants in ABCA4 are known to be pathogenic (PMID: 10958761, 24938718, 25312043, 26780318). This variant is not present in population databases (ExAC no frequency). This variant has not been reported in the literature in individuals with ABCA4-related conditions. Algorithms developed to predict the effect of sequence changes on RNA splicing suggest that this variant may create or strengthen a splice site, but this prediction has not been confirmed by published transcriptional studies. For these reasons, this variant has been classified as Pathogenic.

Literature cited by the submitters: PubMed 10958761; PubMed 24938718; PubMed 25312043; PubMed 26780318.